The following is an entry in ClinVar:

ClinVar aggregate classification (germline): Likely pathogenic (1 of 4 stars; one submission).

Conditions:
TOP3A-related disorder. Also called: TOP3A-related disorders; TOP3A-related condition.

Submission:

Women's Health and Genetics/Laboratory Corporation of America, LabCorp
Classification: Likely pathogenic for TOP3A-Related Disorders. Last evaluated: 2024-01-10. Review status: criteria provided, single submitter. Criteria: LabCorp Variant Classification Summary - May 2015. Collection method: clinical testing. Allele origin: germline.
Comment: Variant summary: The variant involves the duplication of exons 2-3 in the TOP3A gene. A presumed nomenclature of c.(180+1_181-1)_(314+1_315-1)dup has been designated for the purposes of this classification. It is assumed to be a tandem duplication in direct orientation (Richardson_GIM_2018, Newman_AJHG_2015). This Copy Number Variant (CNV) is expected to alter the reading frame and predicted to result in a truncation or absence of the encoded protein due to nonsense mediated decay (NMD). The variant was absent in 21694 control chromosomes (gnomAD Structural Variants dataset). To our knowledge, no occurrence of c.(180+1_181-1)_(314+1_315-1)dup in individuals affected with TOP3A-Related Disorders and no experimental evidence demonstrating its impact on protein function have been reported. No submitters have reported clinical-significance assessments for this variant to ClinVar. Based on the evidence outlined above, the variant was classified as likely pathogenic.

NC_000017.10:g.(18210281_18211664)_(18212256_18217912)dup

Gene: TOP3A (DNA topoisomerase III alpha; minus strand). Cytogenetic location: 17p11.2.
Variant type: Duplication.
Identifiers: ClinVar variation 3063833 (VCV003063833.1).